The following is an entry in ClinVar:

ClinVar aggregate classification (germline): Pathogenic (1 of 4 stars; one submission).

Conditions:
Severe combined immunodeficiency, autosomal recessive, T cell-negative, B cell-negative, NK cell-positive. Also called: SCID, T CELL-NEGATIVE, B CELL-NEGATIVE, NK CELL-POSITIVE; SCID, AR, T-cell negative, B-cell negative, NK cell-positive; Severe combined immunodeficiency due to complete RAG1/2 deficiency. Identifiers: Orphanet 331206, MedGen C1832322, MONDO:0011086, OMIM 601457.
Combined immunodeficiency with skin granulomas. Identifiers: Orphanet 157949, MedGen C2673536, MONDO:0009306, OMIM 233650.

Submission:

Labcorp Genetics (formerly Invitae), Labcorp
Classification: Pathogenic for Combined immunodeficiency with skin granulomas; Severe combined immunodeficiency, autosomal recessive, T cell-negative, B cell-negative, NK cell-positive. Last evaluated: 2023-08-14. Review status: criteria provided, single submitter. Criteria: Invitae Variant Classification Sherloc (09022015). Collection method: clinical testing. Allele origin: germline.
Comment: ClinVar contains an entry for this variant (Variation ID: 1457563). This variant has not been reported in the literature in individuals affected with RAG2-related conditions. This variant is present in population databases (rs755941834, gnomAD 0.0009%). This sequence change creates a premature translational stop signal (p.Asn288Thrfs*5) in the RAG2 gene. While this is not anticipated to result in nonsense mediated decay, it is expected to disrupt the last 240 amino acid(s) of the RAG2 protein. This variant disrupts a region of the RAG2 protein in which other variant(s) (p.Glu480*) have been determined to be pathogenic (PMID: 21624848, 29772310). This suggests that this is a clinically significant region of the protein, and that variants that disrupt it are likely to be disease-causing. For these reasons, this variant has been classified as Pathogenic.

Literature cited by the submitters: PubMed 21624848; PubMed 29772310.

NM_000536.4(RAG2):c.863del (p.Asn288fs)

Gene: RAG2 (recombination activating 2; minus strand). Cytogenetic location: 11p12.
Variant type: Deletion.
Coding change: c.863del on transcript NM_000536.4 (MANE Select); coding-DNA position 863, one base deleted (A; older notation c.863delA).
Protein change: p.Asn288fs; shifts the reading frame from asparagine 288.
Molecular consequence: frameshift variant.
Genome position (GRCh38, 1-based): chr11:36,593,306, T deleted on the plus strand (A on the coding strand, the reverse complement: RAG2 is on the minus strand); the first of 2 consecutive T bases (chr11:36,593,306-36,593,307); deleting either gives the same sequence. VCF-style (leftmost placement, unchanged base first): chr11-36593305-GT-G. GRCh37 (hg19) VCF-style: chr11-36614855-GT-G.
Other names: c.863del, p.Asn288fs (NM_001243785.2, NM_001243786.2); short protein forms N288fs.
Identifiers: ClinVar variation 1457563 (VCV001457563.8), dbSNP rs755941834, ClinGen allele CA220579829.